The following is an entry in ClinVar:

ClinVar aggregate classification (germline): Uncertain significance. Review status: criteria provided, multiple submitters, no conflicts (2 of 4 stars). 2 submissions from 2 submitters: Uncertain significance (2). Last evaluated 2024-09-22.

Conditions:
Autosomal dominant nonsyndromic hearing loss 65. Also called: Deafness, autosomal dominant 65; TBC1D24-Related Autosomal Dominant Nonsyndromic Hearing Loss (DFNA). Identifiers: Orphanet 90635, MedGen C3892048, MONDO:0014470, OMIM 616044.
Developmental and epileptic encephalopathy, 1 (DEE1). Also called: INFANTILE SPASM SYNDROME, X-LINKED 1; X-linked infantile spasms; West's syndrome; Tonic spasms with clustering, arrest of psychomotor development and hypsarrhythmia on EEG; X-Linked Infantile Spasm Syndrome; OHTAHARA SYNDROME, X-LINKED. Identifiers: MedGen C3463992, MONDO:0010632, OMIM 308350. Disease mechanism: loss of function.

Submissions (2):

Labcorp Genetics (formerly Invitae), Labcorp
Classification: Uncertain significance for Developmental and epileptic encephalopathy, 1; Autosomal dominant nonsyndromic hearing loss 65. Last evaluated: 2024-09-22. Review status: criteria provided, single submitter. Criteria: Invitae Variant Classification Sherloc (09022015). Collection method: clinical testing. Allele origin: germline.
Comment: This sequence change replaces threonine, which is neutral and polar, with alanine, which is neutral and non-polar, at codon 527 of the TBC1D24 protein (p.Thr527Ala). This variant is not present in population databases (gnomAD no frequency). This variant has not been reported in the literature in individuals affected with TBC1D24-related conditions. Invitae Evidence Modeling of protein sequence and biophysical properties (such as structural, functional, and spatial information, amino acid conservation, physicochemical variation, residue mobility, and thermodynamic stability) indicates that this missense variant is expected to disrupt TBC1D24 protein function with a positive predictive value of 80%. In summary, the available evidence is currently insufficient to determine the role of this variant in disease. Therefore, it has been classified as a Variant of Uncertain Significance.

GeneDx
Classification: Uncertain significance. Last evaluated: 2024-09-10. Review status: criteria provided, single submitter. Criteria: GeneDx Variant Classification Process June 2021. Collection method: clinical testing. Allele origin: germline. Affected: yes.
Comment: Not observed at significant frequency in large population cohorts (gnomAD); In silico analysis supports that this missense variant has a deleterious effect on protein structure/function; Has not been previously published as pathogenic or benign to our knowledge

NM_001199107.2(TBC1D24):c.1579A>G (p.Thr527Ala)

Gene: TBC1D24 (TBC1 domain family member 24; plus strand). Cytogenetic location: 16p13.3.
Variant type: single nucleotide variant.
Coding change: c.1579A>G on transcript NM_001199107.2 (MANE Select); coding-DNA position 1579, A replaced by G.
Protein change: p.Thr527Ala; replaces threonine 527 with alanine.
Molecular consequence: missense variant.
Genome position (GRCh38, 1-based): chr16:2,500,857, A>G. VCF-style: chr16-2500857-A-G. GRCh37 (hg19) VCF-style: chr16-2550858-A-G.
Other names: c.1561A>G, p.Thr521Ala (NM_020705.3); c.1579A>G (NM_001199107.1); short protein forms T521A, T527A.
Identifiers: ClinVar variation 3757153 (VCV003757153.3).